The following is an entry in ClinVar:

ClinVar aggregate classification (germline): Uncertain significance (1 of 4 stars; one submission).

gnomAD v4.1: 6 of 1,614,006 alleles (0.00037%); highest among the groups gnomAD compares: Admixed American, 0.0017%; no homozygotes.

Submission:

Labcorp Genetics (formerly Invitae), Labcorp
Classification: Uncertain significance. Last evaluated: 2024-09-23. Review status: criteria provided, single submitter. Criteria: Invitae Variant Classification Sherloc (09022015). Collection method: clinical testing. Allele origin: germline.
Comment: This sequence change replaces valine, which is neutral and non-polar, with methionine, which is neutral and non-polar, at codon 629 of the IGF1R protein (p.Val629Met). This variant is present in population databases (rs754639884, gnomAD 0.003%). This variant has not been reported in the literature in individuals affected with IGF1R-related conditions. Invitae Evidence Modeling of protein sequence and biophysical properties (such as structural, functional, and spatial information, amino acid conservation, physicochemical variation, residue mobility, and thermodynamic stability) indicates that this missense variant is not expected to disrupt IGF1R protein function with a negative predictive value of 80%. In summary, the available evidence is currently insufficient to determine the role of this variant in disease. Therefore, it has been classified as a Variant of Uncertain Significance.

NM_000875.5(IGF1R):c.1885G>A (p.Val629Met)

Gene: IGF1R (insulin like growth factor 1 receptor; plus strand). Cytogenetic location: 15q26.3.
Variant type: single nucleotide variant.
Coding change: c.1885G>A on transcript NM_000875.5 (MANE Select); coding-DNA position 1885, G replaced by A.
Protein change: p.Val629Met; replaces valine 629 with methionine.
Molecular consequence: missense variant.
Genome position (GRCh38, 1-based): chr15:98,916,020, G>A. VCF-style: chr15-98916020-G-A. GRCh37 (hg19) VCF-style: chr15-99459249-G-A.
Other names: c.1885G>A, p.Val629Met (NM_001291858.2); short protein forms V629M.
Identifiers: ClinVar variation 2975574 (VCV002975574.3), dbSNP rs754639884, ClinGen allele CA7752236.